The following is an entry in ClinVar:

ClinVar aggregate classification (germline): Benign/Likely benign. Review status: criteria provided, multiple submitters, no conflicts (2 of 4 stars). 3 submissions from 3 submitters: Benign (1); Likely benign (2). Last evaluated 2025-09-29.

Conditions:
Tuberous sclerosis 2 (TSC2). Identifiers: Orphanet 805, MedGen C1860707, MONDO:0013199, OMIM 613254.
Hereditary cancer-predisposing syndrome. Also called: Neoplastic Syndromes, Hereditary; Tumor predisposition; Hereditary Cancer Syndrome; Hereditary neoplastic syndrome. Identifiers: Orphanet 140162, MedGen C0027672, MeSH D009386, MONDO:0015356.

Allele frequency attached by ClinVar (database versions not stated): gnomAD exomes below 0.00001; TOPMed below 0.00001.
gnomAD v4.1: 2 of 1,613,314 alleles (0.00012%); highest among the groups gnomAD compares: South Asian, 0.0022%; no homozygotes.

Submissions (3):

Labcorp Genetics (formerly Invitae), Labcorp
Classification: Likely benign for Tuberous sclerosis 2. Last evaluated: 2025-09-29. Review status: criteria provided, single submitter. Criteria: Invitae Variant Classification Sherloc (09022015). Collection method: clinical testing. Allele origin: germline.

Myriad Genetics, Inc.
Classification: Benign for Tuberous sclerosis 2. Last evaluated: 2025-05-15. Review status: criteria provided, single submitter. Criteria: Myriad Autosomal Dominant, Autosomal Recessive and X-Linked Classification Criteria (2023). Collection method: clinical testing. Allele origin: unknown.
Comment: This variant is considered benign. This variant is a silent/synonymous amino acid change and it is not expected to impact splicing.

Ambry Genetics
Classification: Likely benign for Hereditary cancer-predisposing syndrome. Last evaluated: 2024-03-06. Review status: criteria provided, single submitter. Criteria: Ambry Variant Classification Scheme 2023. Collection method: clinical testing. Allele origin: germline.

NM_000548.5(TSC2):c.1797G>A (p.Lys599=)

Gene: TSC2 (TSC complex subunit 2; plus strand). Cytogenetic location: 16p13.3.
Variant type: single nucleotide variant.
Coding change: c.1797G>A on transcript NM_000548.5 (MANE Select); coding-DNA position 1797, G replaced by A.
Protein change: p.Lys599=; no amino-acid change (lysine 599 retained).
Molecular consequence: synonymous variant.
Genome position (GRCh38, 1-based): chr16:2,070,536, G>A. VCF-style: chr16-2070536-G-A. GRCh37 (hg19) VCF-style: chr16-2120537-G-A.
Other names: c.1797G>A, p.Lys599= (NM_001077183.3, NM_001114382.3, NM_001363528.2 and 3 more transcripts); c.1686G>A, p.Lys562= (NM_001318827.2); c.1650G>A, p.Lys550= (NM_001318829.2); c.1197G>A, p.Lys399= (NM_001318831.2); c.1830G>A, p.Lys610= (NM_001318832.2).
Identifiers: ClinVar variation 536018 (VCV000536018.10), dbSNP rs1168827262, ClinGen allele CA492949818.